The following is an entry in ClinVar:

ClinVar aggregate classification (germline): Uncertain significance (1 of 4 stars; one submission).

gnomAD v4.1: 8 of 1,613,166 alleles (0.0005%); highest among the groups gnomAD compares: Non-Finnish European, 0.00068%; no homozygotes.

Submission:

Labcorp Genetics (formerly Invitae), Labcorp
Classification: Uncertain significance. Last evaluated: 2023-11-27. Review status: criteria provided, single submitter. Criteria: Invitae Variant Classification Sherloc (09022015). Collection method: clinical testing. Allele origin: germline.
Comment: This sequence change replaces phenylalanine, which is neutral and non-polar, with cysteine, which is neutral and slightly polar, at codon 62 of the SIX6 protein (p.Phe62Cys). This variant is not present in population databases (gnomAD no frequency). This variant has not been reported in the literature in individuals affected with SIX6-related conditions. ClinVar contains an entry for this variant (Variation ID: 2142265). Advanced modeling of protein sequence and biophysical properties (such as structural, functional, and spatial information, amino acid conservation, physicochemical variation, residue mobility, and thermodynamic stability) performed at Invitae indicates that this missense variant is expected to disrupt SIX6 protein function with a positive predictive value of 80%. In summary, the available evidence is currently insufficient to determine the role of this variant in disease. Therefore, it has been classified as a Variant of Uncertain Significance.

NM_007374.3(SIX6):c.185T>G (p.Phe62Cys)

Genes: C14orf39 (chromosome 14 open reading frame 39; minus strand), SIX6 (SIX homeobox 6; plus strand). Cytogenetic location: 14q23.1.
Variant type: single nucleotide variant.
Coding change: c.185T>G on transcript NM_007374.3 (MANE Select); coding-DNA position 185, T replaced by G.
Protein change: p.Phe62Cys; replaces phenylalanine 62 with cysteine.
Molecular consequence: missense variant.
Genome position (GRCh38, 1-based): chr14:60,509,583, T>G. VCF-style: chr14-60509583-T-G. GRCh37 (hg19) VCF-style: chr14-60976301-T-G.
Other names: short protein forms F62C.
Identifiers: ClinVar variation 2142265 (VCV002142265.3), dbSNP rs2503605392, ClinGen allele CA390086372.
Genomic context (GRCh38, chr14:60,509,583, plus strand): 5'-CGGCCTGCGAGGCCCTCAACAAGAATGAGTCGGTGCTACGCGCACGAGCCATCGTGGCCT[T>G]TCACGGTGGCAACTACCGCGAGCTCTATCATATCCTGGAAAACCACAAGTTCACCAAGGA-3'
Protein context (NP_031400.2, residues 52-72): SVLRARAIVA[Phe62Cys]HGGNYRELYH